The following is an entry in ClinVar:

NM_001999.4(FBN2):c.8119A>C (p.Asn2707His)

Gene: FBN2 (fibrillin 2; minus strand). Cytogenetic location: 5q23.3.
Variant type: single nucleotide variant.
Coding change: c.8119A>C on transcript NM_001999.4 (MANE Select); coding-DNA position 8119, A replaced by C.
Protein change: p.Asn2707His; replaces asparagine 2707 with histidine.
Molecular consequence: missense variant.
Genome position (GRCh38, 1-based): chr5:128,263,498, T>G on the plus strand (A>C on the coding strand, the complement: FBN2 is on the minus strand). VCF-style: chr5-128263498-T-G. GRCh37 (hg19) VCF-style: chr5-127599190-T-G.
Other names: short protein forms N2707H.
Identifiers: ClinVar variation 264179 (VCV000264179.5), dbSNP rs886039073, ClinGen allele CA10587593.

ClinVar aggregate classification (germline): Uncertain significance (1 of 4 stars; one submission).

Conditions:
Familial thoracic aortic aneurysm and aortic dissection (TAAD). Also called: Thoracic aortic aneurysms and dissections. Identifiers: Orphanet 91387, MedGen C4707243, MONDO:0019625.

Allele frequency attached by ClinVar (database versions not stated): gnomAD exomes below 0.00001.
gnomAD v4.1: 8 of 1,614,072 alleles (0.0005%); highest among the groups gnomAD compares: Non-Finnish European, 0.00068%; no homozygotes.

Submission:

Ambry Genetics
Classification: Uncertain significance for Familial thoracic aortic aneurysm and aortic dissection. Last evaluated: 2015-07-28. Review status: criteria provided, single submitter. Criteria: Ambry Variant Classification Scheme 2023. Collection method: clinical testing. Allele origin: germline.
Comment: The p.N2707H variant (also known as c.8119A>C), located in coding exon 63 of the FBN2 gene, results from an A to C substitution at nucleotide position 8119. The asparagine at codon 2707 is replaced by histidine, an amino acid with similar properties. This variant was not reported in population based cohorts in the following databases: Database of Single Nucleotide Polymorphisms (dbSNP), NHLBI Exome Sequencing Project (ESP), and 1000 Genomes Project. In the ESP, this variant was not observed in 6503 samples (13006 alleles) with coverage at this position. This amino acid position is not well conserved in available vertebrate species. In addition, the in silico prediction for this alteration is inconclusive. Since supporting evidence is limited at this time, the clinical significance of p.N2707H remains unclear.